The following is an entry in ClinVar:

NM_000342.4(SLC4A1):c.571C>G (p.Gln191Glu)

Gene: SLC4A1 (solute carrier family 4 member 1 (Diego blood group); minus strand). Cytogenetic location: 17q21.31.
Variant type: single nucleotide variant.
Coding change: c.571C>G on transcript NM_000342.4 (MANE Select); coding-DNA position 571, C replaced by G.
Protein change: p.Gln191Glu; replaces glutamine 191 with glutamic acid.
Molecular consequence: missense variant.
Genome position (GRCh38, 1-based): chr17:44,259,847, G>C on the plus strand (C>G on the coding strand, the complement: SLC4A1 is on the minus strand). VCF-style: chr17-44259847-G-C. GRCh37 (hg19) VCF-style: chr17-42337215-G-C.
Other names: short protein forms Q191E.
Identifiers: ClinVar variation 1958219 (VCV001958219.5), dbSNP rs1324418745, ClinGen allele CA399793519.
Genomic context (GRCh38, chr17:44,259,847, plus strand): 5'-CCTGACCCTGTAACTGACTCACCTGCTCACAGAAGAGCTGTGTCTCCAGTGAGGAGTGTT[G>C]GGGGAGCAGAGGCTGTGAAGGATCCCCAGAGCGTGTCAGGACTGCAGGCTTCACACCCCC-3'
Protein context (NP_000333.1, residues 181-201): SGDPSQPLLP[Gln191Glu]HSSLETQLFC

ClinVar aggregate classification (germline): Uncertain significance (1 of 4 stars; one submission).

Allele frequency attached by ClinVar (database versions not stated): gnomAD exomes below 0.00001; TOPMed below 0.00001; gnomAD 0.00001.
gnomAD v4.1: 2 of 1,613,918 alleles (0.00012%); highest among the groups gnomAD compares: Non-Finnish European, 0.00017%; no homozygotes.

Submission:

Labcorp Genetics (formerly Invitae), Labcorp
Classification: Uncertain significance. Last evaluated: 2023-05-22. Review status: criteria provided, single submitter. Criteria: Invitae Variant Classification Sherloc (09022015). Collection method: clinical testing. Allele origin: germline.
Comment: In summary, the available evidence is currently insufficient to determine the role of this variant in disease. Therefore, it has been classified as a Variant of Uncertain Significance. Advanced modeling of protein sequence and biophysical properties (such as structural, functional, and spatial information, amino acid conservation, physicochemical variation, residue mobility, and thermodynamic stability) performed at Invitae indicates that this missense variant is not expected to disrupt SLC4A1 protein function. ClinVar contains an entry for this variant (Variation ID: 1958219). This variant has not been reported in the literature in individuals affected with SLC4A1-related conditions. This variant is not present in population databases (gnomAD no frequency). This sequence change replaces glutamine, which is neutral and polar, with glutamic acid, which is acidic and polar, at codon 191 of the SLC4A1 protein (p.Gln191Glu).